The following is an entry in ClinVar:

NM_172225.2(DMBX1):c.837G>A (p.Ser279=)

Gene: DMBX1 (diencephalon/mesencephalon homeobox 1; plus strand). Cytogenetic location: 1p33.
Variant type: single nucleotide variant.
Coding change: c.837G>A on transcript NM_172225.2 (MANE Select); coding-DNA position 837, G replaced by A.
Protein change: p.Ser279=; no amino-acid change (serine 279 retained).
Molecular consequence: synonymous variant.
Genome position (GRCh38, 1-based): chr1:46,512,197, G>A. VCF-style: chr1-46512197-G-A. GRCh37 (hg19) VCF-style: chr1-46977869-G-A.
Other names: c.837G>A, p.Ser279= (NM_001387775.1); c.852G>A, p.Ser284= (NM_001387776.1, NM_147192.4).
Identifiers: ClinVar variation 3034832 (VCV003034832.2), dbSNP rs747278905, ClinGen allele CA836755.

ClinVar aggregate classification (germline): Likely benign (0 of 4 stars; one submission).

Conditions:
DMBX1-related disorder. Also called: DMBX1-related condition.

Allele frequency attached by ClinVar (database versions not stated): gnomAD 0.00003; TOPMed 0.00004.
gnomAD v4.1: 21 of 1,613,886 alleles (0.0013%); highest among the groups gnomAD compares: East Asian, 0.018%; no homozygotes.

Submission:

PreventionGenetics, part of Exact Sciences
Classification: Likely benign for DMBX1-related condition. Last evaluated: 2019-07-30. Review status: no assertion criteria provided. Collection method: clinical testing. Allele origin: germline.
Comment: This variant is classified as likely benign based on ACMG/AMP sequence variant interpretation guidelines (Richards et al. 2015 PMID: 25741868, with internal and published modifications).